The following is an entry in ClinVar:

ClinVar aggregate classification (germline): Uncertain significance (1 of 4 stars; one submission).

Conditions:
Developmental and epileptic encephalopathy, 12 (DEE12). Identifiers: MedGen C3150988, MONDO:0013389, OMIM 613722.

Submission:

Labcorp Genetics (formerly Invitae), Labcorp
Classification: Uncertain significance for Developmental and epileptic encephalopathy, 12. Last evaluated: 2018-04-12. Review status: criteria provided, single submitter. Criteria: Invitae Variant Classification Sherloc (09022015). Collection method: clinical testing. Allele origin: germline.
Comment: In summary, the available evidence is currently insufficient to determine the role of this variant in disease. Therefore, it has been classified as a Variant of Uncertain Significance. Algorithms developed to predict the effect of missense changes on protein structure and function (SIFT, PolyPhen-2, Align-GVGD) all suggest that this variant is likely to be tolerated, but these predictions have not been confirmed by published functional studies and their clinical significance is uncertain. This variant has not been reported in the literature in individuals with PLCB1-related disease. This variant is not present in population databases (ExAC no frequency). This sequence change replaces valine with methionine at codon 817 of the PLCB1 protein (p.Val817Met). The valine residue is moderately conserved and there is a small physicochemical difference between valine and methionine.

NM_015192.4(PLCB1):c.2449G>A (p.Val817Met)

Gene: PLCB1 (phospholipase C beta 1; plus strand). Cytogenetic location: 20p12.3.
Variant type: single nucleotide variant.
Coding change: c.2449G>A on transcript NM_015192.4 (MANE Select); coding-DNA position 2449, G replaced by A.
Protein change: p.Val817Met; replaces valine 817 with methionine.
Molecular consequence: missense variant.
Genome position (GRCh38, 1-based): chr20:8,741,499, G>A. VCF-style: chr20-8741499-G-A. GRCh37 (hg19) VCF-style: chr20-8722146-G-A.
Other names: c.2449G>A, p.Val817Met (NM_182734.3); short protein forms V817M.
Identifiers: ClinVar variation 570801 (VCV000570801.9), dbSNP rs1568580795, ClinGen allele CA408208284.